The following is an entry in ClinVar:

ClinVar aggregate classification (germline): Conflicting classifications of pathogenicity. Review status: criteria provided, conflicting classifications (1 of 4 stars). 3 submissions from 3 submitters: Likely pathogenic (1); Uncertain significance (2). Last evaluated 2025-01-07.

Conditions:
Lafora disease. Also called: Epilepsy progressive myoclonic 2; Progressive Myoclonus Epilepsy, Lafora Type. Identifiers: Orphanet 501, MedGen C0751783, MONDO:0009697.
Myoclonic epilepsy of Lafora 1 (MELF1). Also called: EPM2A-Related Lafora Disease; EPILEPSY, PROGRESSIVE MYOCLONIC, 2A; LAFORA DISEASE 1; Epilepsy, progressive myoclonic 2A (Lafora). Identifiers: MedGen CN377204, MONDO:0958199, OMIM 254780.

Allele frequency attached by ClinVar (database versions not stated): gnomAD exomes below 0.00001 and 0.00001; TOPMed below 0.00001; gnomAD 0.00001.
gnomAD v4.1: 3 of 1,525,298 alleles (0.0002%); highest among the groups gnomAD compares: Non-Finnish European, 0.00026%; no homozygotes.

Submissions (3):

Broad Center for Mendelian Genomics, Broad Institute of MIT and Harvard
Classification: Uncertain significance for Lafora disease. Last evaluated: 2025-01-07. Review status: criteria provided, single submitter. Criteria: ACMG Guidelines, 2015. Collection method: curation. Allele origin: germline. Inheritance: Autosomal recessive inheritance.
Comment: The p.Leu97Arg variant in EPM2A has been reported, in the homozygous state, in one individual with Lafora disease (PMID: 32587944), and has been identified in 0.0003% (3/1134042) of European (non-Finnish) chromosomes by the Genome Aggregation Database (gnomAD; dbSNP ID: rs1386913118). Although this variant has been seen in the general population in a heterozygous state, its frequency is low enough to be consistent with a recessive carrier frequency. This variant has also been reported in ClinVar (Variation ID: 373201) and has been interpreted as likely pathogenic by CeGaT Center for Human Genetics Tuebingen. Computational prediction tools and conservation analyses do not provide strong support for or against an impact to the protein. In summary, the clinical significance of the p.Leu97Arg variant is uncertain. ACMG/AMP Criteria applied: PM2_supporting, PM3_supporting (Richards 2015).

Institute of Human Genetics, Clinical Exome/Genome Diagnostics Group, University Hospital Bonn
Classification: Uncertain significance for Myoclonic epilepsy of Lafora 1. Last evaluated: 2024-03-27. Review status: criteria provided, single submitter. Criteria: ACMG Guidelines, 2015. Collection method: clinical testing. Allele origin: maternal.

CeGaT Center for Human Genetics Tuebingen
Classification: Likely pathogenic. Last evaluated: 2021-04-01. Review status: criteria provided, single submitter. Criteria: CeGaT Center For Human Genetics Tuebingen Variant Classification Criteria Version 2. Collection method: clinical testing. Allele origin: germline. Affected: yes. Observed: 2 variant alleles.

NM_005670.4(EPM2A):c.290T>G (p.Leu97Arg)

Genes: EPM2A-DT (EPM2A divergent transcript; plus strand), EPM2A (EPM2A glucan phosphatase, laforin; minus strand), LOC129997381 (ATAC-STARR-seq lymphoblastoid silent region 17642; plus strand). Cytogenetic location: 6q24.3.
Variant type: single nucleotide variant.
Coding change: c.290T>G on transcript NM_005670.4 (MANE Select); coding-DNA position 290, T replaced by G.
Protein change: p.Leu97Arg; replaces leucine 97 with arginine.
Molecular consequence: missense variant. On other transcripts: 5 prime UTR variant (2), intron variant (2).
Genome position (GRCh38, 1-based): chr6:145,735,209, A>C on the plus strand (T>G on the coding strand, the complement: EPM2A is on the minus strand). VCF-style: chr6-145735209-A-C. GRCh37 (hg19) VCF-style: chr6-146056345-A-C.
Other names: NM_005670.4(EPM2A):c.290T>G; p.Leu97Arg; c.290T>G, p.Leu97Arg (NM_001018041.2, NM_001360057.2, NM_001368130.1); c.-380T>G (NM_001360071.2); c.-334T>G (NM_001368129.2); c.-114+699T>G (NM_001360064.2); c.-114+36T>G (NM_001368131.1); short protein forms L97R.
Identifiers: ClinVar variation 1013308 (VCV001013308.40), dbSNP rs1386913118, ClinGen allele CA366187858.